The following is an entry in ClinVar:

ClinVar aggregate classification (germline): Uncertain significance (1 of 4 stars; one submission).

Conditions:
Brachyolmia-amelogenesis imperfecta syndrome. Also called: Tooth agenesis, selective, 6; Dental anomalies and short stature; PLATYSPONDYLY WITH AMELOGENESIS IMPERFECTA. Identifiers: Orphanet 2899, MedGen C1832594, MONDO:0011018, OMIM 601216. Disease mechanism: loss of function.

Submission:

Labcorp Genetics (formerly Invitae), Labcorp
Classification: Uncertain significance for Brachyolmia-amelogenesis imperfecta syndrome. Last evaluated: 2023-12-23. Review status: criteria provided, single submitter. Criteria: Invitae Variant Classification Sherloc (09022015). Collection method: clinical testing. Allele origin: germline.
Comment: This variant, c.1793_1795del, results in the deletion of 1 amino acid(s) of the LTBP3 protein (p.Ser598del), but otherwise preserves the integrity of the reading frame. This variant is present in population databases (rs772107518, gnomAD 0.006%). This variant has not been reported in the literature in individuals affected with LTBP3-related conditions. Experimental studies and prediction algorithms are not available or were not evaluated, and the functional significance of this variant is currently unknown. In summary, the available evidence is currently insufficient to determine the role of this variant in disease. Therefore, it has been classified as a Variant of Uncertain Significance.

NM_001130144.3(LTBP3):c.1793_1795del (p.Ser598del)

Gene: LTBP3 (latent transforming growth factor beta binding protein 3; minus strand). Cytogenetic location: 11q13.1.
Variant type: Deletion.
Coding change: c.1793_1795del on transcript NM_001130144.3 (MANE Select); coding-DNA positions 1793 to 1795, 3 bases deleted (CCT; older notation c.1793_1795delCCT).
Protein change: p.Ser598del; deletes serine 598.
Molecular consequence: inframe deletion.
Genome position (GRCh38, 1-based): chr11:65,547,971-65,547,973, AGG deleted on the plus strand (CCT on the coding strand, the reverse complement: LTBP3 is on the minus strand); deleting any 3 consecutive bases within chr11:65,547,971-65,547,975 gives the same sequence; the c. name uses the placement nearest the transcript's 3' end. VCF-style (leftmost placement, unchanged base first): chr11-65547970-CAGG-C. GRCh37 (hg19) VCF-style: chr11-65315441-CAGG-C.
Other names: c.1442_1444del, p.Ser481del (NM_001164266.1); c.1793_1795del, p.Ser598del (NM_021070.4); short protein forms S481del, S598del.
Identifiers: ClinVar variation 2738274 (VCV002738274.3), dbSNP rs772107518, ClinGen allele CA6100852.